The following is an entry in ClinVar:

ClinVar aggregate classification (germline): Uncertain significance. Review status: criteria provided, multiple submitters, no conflicts (2 of 4 stars). 2 submissions from 2 submitters: Uncertain significance (2). Last evaluated 2025-08-18.

Conditions:
Encephalopathy, acute, infection-induced (herpes-specific), susceptibility to, 1. Also called: Herpes simplex encephalitis, susceptibility to, 1. Identifiers: Orphanet 1930, MedGen C2750180, MONDO:0024563, OMIM 610551.

Allele frequency attached by ClinVar (database versions not stated): gnomAD 0.00001.
gnomAD v4.1: 6 of 1,613,988 alleles (0.00037%); highest among the groups gnomAD compares: Admixed American, 0.0033%; no homozygotes.

Submissions (2):

Labcorp Genetics (formerly Invitae), Labcorp
Classification: Uncertain significance for Encephalopathy, acute, infection-induced (herpes-specific), susceptibility to, 1. Last evaluated: 2025-08-18. Review status: criteria provided, single submitter. Criteria: Invitae Variant Classification Sherloc (09022015). Collection method: clinical testing. Allele origin: germline.
Comment: This sequence change replaces phenylalanine, which is neutral and non-polar, with tyrosine, which is neutral and polar, at codon 224 of the TLR3 protein (p.Phe224Tyr). This variant is present in population databases (no rsID available, gnomAD 0.01%). This variant has not been reported in the literature in individuals affected with TLR3-related conditions. ClinVar contains an entry for this variant (Variation ID: 2527856). An algorithm developed to predict the effect of missense changes on protein structure and function outputs the following: PolyPhen-2: "Benign". The tyrosine amino acid residue is found in multiple mammalian species, which suggests that this missense change does not adversely affect protein function. In summary, the available evidence is currently insufficient to determine the role of this variant in disease. Therefore, it has been classified as a Variant of Uncertain Significance.

Ambry Genetics
Classification: Uncertain significance. Last evaluated: 2023-03-21. Review status: criteria provided, single submitter. Criteria: Ambry Variant Classification Scheme 2023. Collection method: clinical testing. Allele origin: germline.

NM_003265.3(TLR3):c.671T>A (p.Phe224Tyr)

Gene: TLR3 (toll like receptor 3; plus strand). Cytogenetic location: 4q35.1.
Variant type: single nucleotide variant.
Coding change: c.671T>A on transcript NM_003265.3 (MANE Select); coding-DNA position 671, T replaced by A.
Protein change: p.Phe224Tyr; replaces phenylalanine 224 with tyrosine.
Molecular consequence: missense variant.
Genome position (GRCh38, 1-based): chr4:186,082,357, T>A. VCF-style: chr4-186082357-T-A. GRCh37 (hg19) VCF-style: chr4-187003511-T-A.
Other names: short protein forms F224Y.
Identifiers: ClinVar variation 2527856 (VCV002527856.5), dbSNP rs747450592, ClinGen allele CA112097591.